The following is an entry in ClinVar:

NM_177402.5(SYT2):c.977C>A (p.Thr326Lys)

Gene: SYT2 (synaptotagmin 2; minus strand). Cytogenetic location: 1q32.1.
Variant type: single nucleotide variant.
Coding change: c.977C>A on transcript NM_177402.5 (MANE Select); coding-DNA position 977, C replaced by A.
Protein change: p.Thr326Lys; replaces threonine 326 with lysine.
Molecular consequence: missense variant.
Genome position (GRCh38, 1-based): chr1:202,599,294, G>T on the plus strand (C>A on the coding strand, the complement: SYT2 is on the minus strand). VCF-style: chr1-202599294-G-T. GRCh37 (hg19) VCF-style: chr1-202568422-G-T.
Other names: c.977C>A, p.Thr326Lys (NM_001136504.1); short protein forms T326K.
Identifiers: ClinVar variation 4690607 (VCV004690607.1).

ClinVar aggregate classification (germline): Uncertain significance (1 of 4 stars; one submission).

gnomAD v4.1: 1 of 1,609,710 alleles (0.000062%); highest among the groups gnomAD compares: Non-Finnish European, 0.000085%; no homozygotes.

Submission:

Labcorp Genetics (formerly Invitae), Labcorp
Classification: Uncertain significance. Last evaluated: 2025-10-28. Review status: criteria provided, single submitter. Criteria: Invitae Variant Classification Sherloc (09022015). Collection method: clinical testing. Allele origin: germline.
Comment: This sequence change replaces threonine, which is neutral and polar, with lysine, which is basic and polar, at codon 326 of the SYT2 protein (p.Thr326Lys). This variant is present in population databases (no rsID available, gnomAD 0.0009%). This variant has not been reported in the literature in individuals affected with SYT2-related conditions. Invitae Evidence Modeling of protein sequence and biophysical properties (such as structural, functional, and spatial information, amino acid conservation, physicochemical variation, residue mobility, and thermodynamic stability) indicates that this missense variant is expected to disrupt SYT2 protein function with a positive predictive value of 80%. In summary, the available evidence is currently insufficient to determine the role of this variant in disease. Therefore, it has been classified as a Variant of Uncertain Significance.